The following is an entry in ClinVar:

NM_139058.3(ARX):c.1120-157C>G

Gene: ARX (aristaless related homeobox; minus strand). Cytogenetic location: Xp21.3.
Variant type: single nucleotide variant.
Coding change: c.1120-157C>G on transcript NM_139058.3 (MANE Select); 157 bases into the intron before coding-DNA position 1120, C replaced by G.
Molecular consequence: intron variant.
Genome position (GRCh38, 1-based): chrX:25,007,596, G>C on the plus strand (C>G on the coding strand, the complement: ARX is on the minus strand). VCF-style: chrX-25007596-G-C. GRCh37 (hg19) VCF-style: chrX-25025713-G-C.
Identifiers: ClinVar variation 676959 (VCV000676959.2), dbSNP rs192363904, ClinGen allele CA327732631.
Genomic context (GRCh38, chrX:25,007,596, plus strand): 5'-TTCCTTTCCACCGCGGCCCGCGCCCACCTGCCCCTCTTTGGCCTCAGGTTGTTTTCGGAC[G>C]CGTCTGGGGCCAAATGAGCAGTGAATAGGAGCCGCAACTTCAAGTCAGCAGGAAACAGGA-3'

ClinVar aggregate classification (germline): Benign. Review status: criteria provided, multiple submitters, no conflicts (2 of 4 stars). 2 submissions from 2 submitters: Benign (2). Last evaluated 2018-06-19.

Allele frequency attached by ClinVar (database versions not stated): 1000 Genomes Project 0.04238; TOPMed 0.04460; 1000 Genomes Project 30x 0.04620.
gnomAD v4.1: 4,332 of 111,382 alleles (3.9%); highest among the groups gnomAD compares: African/African-American, 13%; 212 homozygotes.

Submissions (2):

GeneDx
Classification: Benign. Last evaluated: 2018-06-19. Review status: criteria provided, single submitter. Criteria: GeneDx Variant Classification (06012015). Collection method: clinical testing. Allele origin: germline. Affected: yes.
Comment: This variant is considered likely benign or benign based on one or more of the following criteria: it is a conservative change, it occurs at a poorly conserved position in the protein, it is predicted to be benign by multiple in silico algorithms, and/or has population frequency not consistent with disease.

Breakthrough Genomics
Classification: Benign. Review status: criteria provided, single submitter. Criteria: ACMG Guidelines, 2015. Collection method: not provided. Allele origin: germline. Inheritance: X-linked inheritance. Affected: yes.